The following is an entry in ClinVar:

ClinVar aggregate classification (germline): Uncertain significance (1 of 4 stars; one submission).

gnomAD v4.1: 2 of 1,532,338 alleles (0.00013%); highest among the groups gnomAD compares: Admixed American, 0.002%; no homozygotes.

Submission:

Labcorp Genetics (formerly Invitae), Labcorp
Classification: Uncertain significance. Last evaluated: 2025-09-21. Review status: criteria provided, single submitter. Criteria: Invitae Variant Classification Sherloc (09022015). Collection method: clinical testing. Allele origin: germline.
Comment: This sequence change replaces glutamine, which is neutral and polar, with histidine, which is basic and polar, at codon 341 of the MAGEL2 protein (p.Gln341His). This variant is not present in population databases (gnomAD no frequency). This variant has not been reported in the literature in individuals affected with MAGEL2-related conditions. Experimental studies and prediction algorithms are not available or were not evaluated, and the functional significance of this variant is currently unknown. In summary, the available evidence is currently insufficient to determine the role of this variant in disease. Therefore, it has been classified as a Variant of Uncertain Significance.

NM_019066.5(MAGEL2):c.1023G>C (p.Gln341His)

Gene: MAGEL2 (MAGE family member L2; minus strand). Cytogenetic location: 15q11.2.
Variant type: single nucleotide variant.
Coding change: c.1023G>C on transcript NM_019066.5 (MANE Select); coding-DNA position 1023, G replaced by C.
Protein change: p.Gln341His; replaces glutamine 341 with histidine.
Molecular consequence: missense variant.
Genome position (GRCh38, 1-based): chr15:23,646,720, C>G on the plus strand (G>C on the coding strand, the complement: MAGEL2 is on the minus strand). VCF-style: chr15-23646720-C-G. GRCh37 (hg19) VCF-style: chr15-23891867-C-G.
Other names: short protein forms Q341H.
Identifiers: ClinVar variation 4693868 (VCV004693868.1).